The following is an entry in ClinVar:

NM_004991.4(MECOM):c.3427G>A (p.Gly1143Arg)

Gene: MECOM (MDS1 and EVI1 complex locus; minus strand). Cytogenetic location: 3q26.2.
Variant type: single nucleotide variant.
Coding change: c.3427G>A on transcript NM_004991.4 (MANE Select); coding-DNA position 3427, G replaced by A.
Protein change: p.Gly1143Arg; replaces glycine 1143 with arginine.
Molecular consequence: missense variant.
Genome position (GRCh38, 1-based): chr3:169,089,158, C>T on the plus strand (G>A on the coding strand, the complement: MECOM is on the minus strand). VCF-style: chr3-169089158-C-T. GRCh37 (hg19) VCF-style: chr3-168806946-C-T.
Other names: c.3058G>A, p.Gly1020Arg (NM_001105077.4); c.2863G>A, p.Gly955Arg (NM_001105078.4, NM_001205194.2, NM_001366469.2 and 1 more transcripts); c.2839G>A, p.Gly947Arg (NM_001163999.2, NM_001366470.2); c.2836G>A, p.Gly946Arg (NM_001164000.2, NM_001366471.2, NM_001366472.2); c.3400G>A, p.Gly1134Arg (NM_001366466.2); c.2866G>A, p.Gly956Arg (NM_001366467.2, NM_001366468.2); c.2428G>A, p.Gly810Arg (NM_001366473.2); c.1864G>A, p.Gly622Arg (NM_001366474.2); short protein forms G1134R, G622R, G947R, G810R, G946R, G955R, G1020R, G1143R.
Identifiers: ClinVar variation 5024164 (VCV005024164.1).

ClinVar aggregate classification (germline): Uncertain significance (1 of 4 stars; one submission).

Conditions:
Inborn genetic diseases. Identifiers: MedGen C0950123, MeSH D030342.

Submission:

Ambry Genetics
Classification: Uncertain significance for Inborn genetic diseases. Last evaluated: 2026-08-02. Review status: criteria provided, single submitter. Criteria: Ambry Variant Classification Scheme 2023. Collection method: clinical testing. Allele origin: germline.
Comment: The p.G1143R variant (also known as c.3427G>A), located in coding exon 16 of the MECOM gene, results from a G to A substitution at nucleotide position 3427. The glycine at codon 1143 is replaced by arginine, an amino acid with dissimilar properties. This amino acid position is conserved. In addition, the in silico prediction for this alteration is inconclusive. Based on the available evidence, the clinical significance of this variant remains unclear.